The following is an entry in ClinVar:

NM_001376.5(DYNC1H1):c.5035C>T (p.Arg1679Trp)

Gene: DYNC1H1 (dynein cytoplasmic 1 heavy chain 1; plus strand). Cytogenetic location: 14q32.31.
Variant type: single nucleotide variant.
Coding change: c.5035C>T on transcript NM_001376.5 (MANE Select); coding-DNA position 5035, C replaced by T.
Protein change: p.Arg1679Trp; replaces arginine 1679 with tryptophan.
Molecular consequence: missense variant.
Genome position (GRCh38, 1-based): chr14:102,004,669, C>T. VCF-style: chr14-102004669-C-T. GRCh37 (hg19) VCF-style: chr14-102471006-C-T.
Other names: short protein forms R1679W.
Identifiers: ClinVar variation 1053168 (VCV001053168.9), dbSNP rs1351401023, ClinGen allele CA391045217.

ClinVar aggregate classification (germline): Pathogenic (1 of 4 stars; one submission).

Conditions:
Charcot-Marie-Tooth disease axonal type 2O. Also called: CHARCOT-MARIE-TOOTH NEUROPATHY, AXONAL, TYPE 2O; CHARCOT-MARIE-TOOTH DISEASE, AXONAL, AUTOSOMAL DOMINANT, TYPE 2O; Charcot-Marie-Tooth disease, axonal, type 20; Charcot-Marie-Tooth Neuropathy Type 2O. Identifiers: Orphanet 284232, MedGen C3280220, MONDO:0013644, OMIM 614228.

Allele frequency attached by ClinVar (database versions not stated): gnomAD exomes below 0.00001.
gnomAD v4.1: 4 of 1,614,108 alleles (0.00025%); highest among the groups gnomAD compares: Non-Finnish European, 0.00034%; no homozygotes.

Submission:

Labcorp Genetics (formerly Invitae), Labcorp
Classification: Pathogenic for Charcot-Marie-Tooth disease axonal type 2O. Last evaluated: 2025-12-08. Review status: criteria provided, single submitter. Criteria: Invitae Variant Classification Sherloc (09022015). Collection method: clinical testing. Allele origin: germline.
Comment: This sequence change replaces arginine, which is basic and polar, with tryptophan, which is neutral and slightly polar, at codon 1679 of the DYNC1H1 protein (p.Arg1679Trp). This variant is present in population databases (no rsID available, gnomAD 0.0009%). This missense change has been observed in individual(s) with clinical features of DYNC1H1-related conditions (PMID: 32376792; internal data). In at least one individual the variant was observed to be de novo. ClinVar contains an entry for this variant (Variation ID: 1053168). Invitae Evidence Modeling of protein sequence and biophysical properties (such as structural, functional, and spatial information, amino acid conservation, physicochemical variation, residue mobility, and thermodynamic stability) indicates that this missense variant is expected to disrupt DYNC1H1 protein function with a positive predictive value of 95%. For these reasons, this variant has been classified as Pathogenic.

Literature cited by the submitters: PubMed 32376792.